The following is an entry in ClinVar:

NM_006231.4(POLE):c.6664C>G (p.Leu2222Val)

Gene: POLE (DNA polymerase epsilon, catalytic subunit; minus strand). Cytogenetic location: 12q24.33.
Variant type: single nucleotide variant.
Coding change: c.6664C>G on transcript NM_006231.4 (MANE Select); coding-DNA position 6664, C replaced by G.
Protein change: p.Leu2222Val; replaces leucine 2222 with valine.
Molecular consequence: missense variant.
Genome position (GRCh38, 1-based): chr12:132,624,988, G>C on the plus strand (C>G on the coding strand, the complement: POLE is on the minus strand). VCF-style: chr12-132624988-G-C. GRCh37 (hg19) VCF-style: chr12-133201574-G-C.
Other names: short protein forms L2222V.
Identifiers: ClinVar variation 649555 (VCV000649555.8), dbSNP rs1160915539, ClinGen allele CA387366272.

ClinVar aggregate classification (germline): Uncertain significance (1 of 4 stars; one submission).

Submission:

Labcorp Genetics (formerly Invitae), Labcorp
Classification: Uncertain significance. Last evaluated: 2021-05-06. Review status: criteria provided, single submitter. Criteria: Invitae Variant Classification Sherloc (09022015). Collection method: clinical testing. Allele origin: germline.
Comment: In summary, the available evidence is currently insufficient to determine the role of this variant in disease. Therefore, it has been classified as a Variant of Uncertain Significance. Algorithms developed to predict the effect of missense changes on protein structure and function output the following: SIFT: "Tolerated"; PolyPhen-2: "Benign"; Align-GVGD: "Class C0". The valine amino acid residue is found in multiple mammalian species, suggesting that this missense change does not adversely affect protein function. These predictions have not been confirmed by published functional studies and their clinical significance is uncertain. This variant has not been reported in the literature in individuals with POLE-related disease. This variant is not present in population databases (ExAC no frequency). This sequence change replaces leucine with valine at codon 2222 of the POLE protein (p.Leu2222Val). The leucine residue is weakly conserved and there is a small physicochemical difference between leucine and valine.